The following is an entry in ClinVar:

NM_015338.6(ASXL1):c.2638A>T (p.Thr880Ser)

Gene: ASXL1 (ASXL transcriptional regulator 1; plus strand). Cytogenetic location: 20q11.21.
Variant type: single nucleotide variant.
Coding change: c.2638A>T on transcript NM_015338.6 (MANE Select); coding-DNA position 2638, A replaced by T.
Protein change: p.Thr880Ser; replaces threonine 880 with serine.
Molecular consequence: missense variant.
Genome position (GRCh38, 1-based): chr20:32,435,350, A>T. VCF-style: chr20-32435350-A-T. GRCh37 (hg19) VCF-style: chr20-31023153-A-T.
Other names: c.2455A>T, p.Thr819Ser (NM_001363734.1); short protein forms T819S, T880S.
Identifiers: ClinVar variation 3439986 (VCV003439986.1).

ClinVar aggregate classification (germline): Uncertain significance (1 of 4 stars; one submission).

Conditions:
Inborn genetic diseases. Identifiers: MedGen C0950123, MeSH D030342.

Submission:

Ambry Genetics
Classification: Uncertain significance for Inborn genetic diseases. Last evaluated: 2024-12-10. Review status: criteria provided, single submitter. Criteria: Ambry Variant Classification Scheme 2023. Collection method: clinical testing. Allele origin: germline.
Comment: The p.T880S variant (also known as c.2638A>T), located in coding exon 13 of the ASXL1 gene, results from an A to T substitution at nucleotide position 2638. The threonine at codon 880 is replaced by serine, an amino acid with similar properties. This amino acid position is conserved. In addition, this alteration is predicted to be tolerated by in silico analysis. Based on the available evidence, the clinical significance of this variant remains unclear.